The following is an entry in ClinVar:

ClinVar aggregate classification (germline): Uncertain significance. Review status: criteria provided, multiple submitters, no conflicts (2 of 4 stars). 2 submissions from 2 submitters: Uncertain significance (2). Last evaluated 2024-08-08.

Conditions:
Intellectual developmental disorder, X-linked 1. Also called: Atkin Flaitz Patil Smith syndrome; Intellectual disability, X-linked 1; MENTAL RETARDATION, X-LINKED 18; MENTAL RETARDATION, X-LINKED 78. Identifiers: Orphanet 777, MedGen C2931498, MONDO:0010656, OMIM 309530.

Submissions (2):

GeneDx
Classification: Uncertain significance. Last evaluated: 2024-08-08. Review status: criteria provided, single submitter. Criteria: GeneDx Variant Classification Process June 2021. Collection method: clinical testing. Allele origin: germline. Affected: yes.
Comment: Not observed at significant frequency in large population cohorts (gnomAD); In silico analysis supports that this missense variant has a deleterious effect on protein structure/function; Has not been previously published as pathogenic or benign to our knowledge

Labcorp Genetics (formerly Invitae), Labcorp
Classification: Uncertain significance for Intellectual developmental disorder, X-linked 1. Last evaluated: 2021-05-08. Review status: criteria provided, single submitter. Criteria: Invitae Variant Classification Sherloc (09022015). Collection method: clinical testing. Allele origin: germline.
Comment: This variant has not been reported in the literature in individuals with IQSEC2-related conditions. This variant is not present in population databases (ExAC no frequency). This sequence change replaces arginine with proline at codon 1213 of the IQSEC2 protein (p.Arg1213Pro). The arginine residue is moderately conserved and there is a moderate physicochemical difference between arginine and proline. Algorithms developed to predict the effect of missense changes on protein structure and function (SIFT, PolyPhen-2, Align-GVGD) all suggest that this variant is likely to be tolerated, but these predictions have not been confirmed by published functional studies and their clinical significance is uncertain. In summary, the available evidence is currently insufficient to determine the role of this variant in disease. Therefore, it has been classified as a Variant of Uncertain Significance.

NM_001111125.3(IQSEC2):c.3638G>C (p.Arg1213Pro)

Gene: IQSEC2 (IQ motif and Sec7 domain ArfGEF 2; minus strand). Cytogenetic location: Xp11.22.
Variant type: single nucleotide variant.
Coding change: c.3638G>C on transcript NM_001111125.3 (MANE Select); coding-DNA position 3638, G replaced by C.
Protein change: p.Arg1213Pro; replaces arginine 1213 with proline.
Molecular consequence: missense variant. On other transcripts: 3 prime UTR variant (1).
Genome position (GRCh38, 1-based): chrX:53,235,048, C>G on the plus strand (G>C on the coding strand, the complement: IQSEC2 is on the minus strand). VCF-style: chrX-53235048-C-G. GRCh37 (hg19) VCF-style: chrX-53264230-C-G.
Other names: c.*123G>C (NM_015075.2); c.3638G>C (NM_001111125.1); short protein forms R1213P.
Identifiers: ClinVar variation 1356297 (VCV001356297.8), dbSNP rs1556859281, ClinGen allele CA413141855.